The following is an entry in ClinVar:

NM_032119.4(ADGRV1):c.17618G>C (p.Cys5873Ser)

Gene: ADGRV1 (adhesion G protein-coupled receptor V1; plus strand). Cytogenetic location: 5q14.3.
Variant type: single nucleotide variant.
Coding change: c.17618G>C on transcript NM_032119.4 (MANE Select); coding-DNA position 17618, G replaced by C.
Protein change: p.Cys5873Ser; replaces cysteine 5873 with serine.
Molecular consequence: missense variant. On other transcripts: non-coding transcript variant (1).
Genome position (GRCh38, 1-based): chr5:90,855,764, G>C. VCF-style: chr5-90855764-G-C. GRCh37 (hg19) VCF-style: chr5-90151581-G-C.
Other names: short protein forms C5873S.
Identifiers: ClinVar variation 1004485 (VCV001004485.8), dbSNP rs1766964278, ClinGen allele CA360430800.

ClinVar aggregate classification (germline): Uncertain significance (1 of 4 stars; one submission).

Allele frequency attached by ClinVar (database versions not stated): gnomAD exomes below 0.00001.
gnomAD v4.1: 1 of 1,589,846 alleles (0.000063%); highest among the groups gnomAD compares: South Asian, 0.0012%; no homozygotes.

Submission:

Labcorp Genetics (formerly Invitae), Labcorp
Classification: Uncertain significance. Last evaluated: 2024-08-04. Review status: criteria provided, single submitter. Criteria: Invitae Variant Classification Sherloc (09022015). Collection method: clinical testing. Allele origin: germline.
Comment: This sequence change replaces cysteine, which is neutral and slightly polar, with serine, which is neutral and polar, at codon 5873 of the ADGRV1 protein (p.Cys5873Ser). This variant is not present in population databases (gnomAD no frequency). This variant has not been reported in the literature in individuals affected with ADGRV1-related conditions. ClinVar contains an entry for this variant (Variation ID: 1004485). Advanced modeling of protein sequence and biophysical properties (such as structural, functional, and spatial information, amino acid conservation, physicochemical variation, residue mobility, and thermodynamic stability) has been performed at Invitae for this missense variant, however the output from this modeling did not meet the statistical confidence thresholds required to predict the impact of this variant on ADGRV1 protein function. In summary, the available evidence is currently insufficient to determine the role of this variant in disease. Therefore, it has been classified as a Variant of Uncertain Significance.